The following is an entry in ClinVar:

ClinVar aggregate classification (germline): Uncertain significance (1 of 4 stars; one submission).

Conditions:
3-methylglutaconic aciduria type 1 (MGCA1). Identifiers: Orphanet 67046, MedGen C0342727, MONDO:0009610, OMIM 250950.

Allele frequency attached by ClinVar (database versions not stated): gnomAD exomes below 0.00001.
gnomAD v4.1: 5 of 1,612,764 alleles (0.00031%); highest among the groups gnomAD compares: Middle Eastern, 0.017%; no homozygotes.

Submission:

Labcorp Genetics (formerly Invitae), Labcorp
Classification: Uncertain significance for 3-methylglutaconic aciduria type 1. Last evaluated: 2022-04-08. Review status: criteria provided, single submitter. Criteria: Invitae Variant Classification Sherloc (09022015). Collection method: clinical testing. Allele origin: germline.
Comment: This sequence change replaces alanine, which is neutral and non-polar, with glycine, which is neutral and non-polar, at codon 114 of the AUH protein (p.Ala114Gly). This variant is present in population databases (no rsID available, gnomAD 0.003%). This variant has not been reported in the literature in individuals affected with AUH-related conditions. Algorithms developed to predict the effect of missense changes on protein structure and function are either unavailable or do not agree on the potential impact of this missense change (SIFT: "Deleterious"; PolyPhen-2: "Benign"; Align-GVGD: "Class C0"). Algorithms developed to predict the effect of sequence changes on RNA splicing suggest that this variant may create or strengthen a splice site. In summary, the available evidence is currently insufficient to determine the role of this variant in disease. Therefore, it has been classified as a Variant of Uncertain Significance.

NM_001698.3(AUH):c.341C>G (p.Ala114Gly)

Gene: AUH (AU RNA binding methylglutaconyl-CoA hydratase; minus strand). Cytogenetic location: 9q22.31.
Variant type: single nucleotide variant.
Coding change: c.341C>G on transcript NM_001698.3 (MANE Select); coding-DNA position 341, C replaced by G.
Protein change: p.Ala114Gly; replaces alanine 114 with glycine.
Molecular consequence: missense variant.
Genome position (GRCh38, 1-based): chr9:91,355,960, G>C on the plus strand (C>G on the coding strand, the complement: AUH is on the minus strand). VCF-style: chr9-91355960-G-C. GRCh37 (hg19) VCF-style: chr9-94118242-G-C.
Other names: c.341C>G, p.Ala114Gly (NM_001306190.2); c.14C>G, p.Ala5Gly (NM_001351431.2, NM_001351432.2, NM_001351433.2); short protein forms A114G, A5G.
Identifiers: ClinVar variation 2158343 (VCV002158343.4), dbSNP rs1564134080, ClinGen allele CA373835984.